The following is an entry in ClinVar:

ClinVar aggregate classification (germline): Conflicting classifications of pathogenicity. Review status: criteria provided, conflicting classifications (1 of 4 stars). 3 submissions from 3 submitters: Pathogenic (1); Uncertain significance (1). 1 of the submissions does not count toward it. Last evaluated 2025-01-13.

Conditions:
Hypoparathyroidism, deafness, renal disease syndrome (HDRS). Also called: HYPOPARATHYROIDISM, SENSORINEURAL DEAFNESS, AND RENAL DYSPLASIA SYNDROME. Identifiers: Orphanet 2237, MedGen C1840333, MONDO:0007797, OMIM 146255.

Submissions (3):

Labcorp Genetics (formerly Invitae), Labcorp
Classification: Pathogenic. Last evaluated: 2025-01-13. Review status: criteria provided, single submitter. Criteria: Invitae Variant Classification Sherloc (09022015). Collection method: clinical testing. Allele origin: germline.
Comment: This sequence change creates a premature translational stop signal (p.Arg277*) in the GATA3 gene. It is expected to result in an absent or disrupted protein product. Loss-of-function variants in GATA3 are known to be pathogenic (PMID: 14985365, 21242646). This variant is not present in population databases (gnomAD no frequency). This premature translational stop signal has been observed in individual(s) with hypoparathyroidism, sensorineural deafness, renal anomaly syndrome (PMID: 10935639). ClinVar contains an entry for this variant (Variation ID: 16623). For these reasons, this variant has been classified as Pathogenic.

Daryl Scott Lab, Baylor College of Medicine
Classification: Uncertain significance for Hypoparathyroidism, deafness, renal disease syndrome. Last evaluated: 2024-01-01. Review status: criteria provided, single submitter. Criteria: ACMG Guidelines, 2015. Collection method: clinical testing. Allele origin: unknown. Observed: 1 heterozygote.
Comment: PM2

OMIM
Classification: Pathogenic for HYPOPARATHYROIDISM, SENSORINEURAL DEAFNESS, AND RENAL DYSPLASIA SYNDROME. Last evaluated: 2000-07-27. Review status: no assertion criteria provided. Collection method: literature only. Allele origin: germline. Not counted in ClinVar's aggregate classification.

Literature cited by the submitters: PubMed 14985365 (cited by Labcorp Genetics (formerly Invitae), Labcorp); PubMed 21242646 (cited by Labcorp Genetics (formerly Invitae), Labcorp); PubMed 10935639 (cited by Labcorp Genetics (formerly Invitae), Labcorp and OMIM).

NM_001002295.2(GATA3):c.829C>T (p.Arg277Ter)

Gene: GATA3 (GATA binding protein 3; plus strand). Cytogenetic location: 10p14.
Variant type: single nucleotide variant.
Coding change: c.829C>T on transcript NM_001002295.2 (MANE Select); coding-DNA position 829, C replaced by T.
Protein change: p.Arg277Ter; replaces arginine 277 with a stop codon.
Molecular consequence: nonsense.
Genome position (GRCh38, 1-based): chr10:8,064,043, C>T. VCF-style: chr10-8064043-C-T. GRCh37 (hg19) VCF-style: chr10-8106006-C-T.
Other names: c.826C>T, p.Arg276Ter (NM_002051.3); short protein forms R277*, R276*.
Identifiers: ClinVar variation 16623 (VCV000016623.5), dbSNP rs104894162, ClinGen allele CA126732.